The following is an entry in ClinVar:

NM_001278116.2(L1CAM):c.452G>C (p.Gly151Ala)

Gene: L1CAM (L1 cell adhesion molecule; minus strand). Cytogenetic location: Xq28.
Variant type: single nucleotide variant.
Coding change: c.452G>C on transcript NM_001278116.2 (MANE Select); coding-DNA position 452, G replaced by C.
Protein change: p.Gly151Ala; replaces glycine 151 with alanine.
Molecular consequence: missense variant.
Genome position (GRCh38, 1-based): chrX:153,871,128, C>G on the plus strand (G>C on the coding strand, the complement: L1CAM is on the minus strand). VCF-style: chrX-153871128-C-G. GRCh37 (hg19) VCF-style: chrX-153136583-C-G.
Other names: c.452G>C, p.Gly151Ala (NM_000425.5, NM_024003.3); c.437G>C, p.Gly146Ala (NM_001143963.2); short protein forms G151A, G146A.
Identifiers: ClinVar variation 647656 (VCV000647656.8), dbSNP rs1064796291, ClinGen allele CA415136716.

ClinVar aggregate classification (germline): Uncertain significance (1 of 4 stars; one submission).

Conditions:
Spastic paraplegia. Identifiers: MedGen C0037772, HP:0001258.

Submission:

Labcorp Genetics (formerly Invitae), Labcorp
Classification: Uncertain significance for Spastic paraplegia. Last evaluated: 2024-01-08. Review status: criteria provided, single submitter. Criteria: Invitae Variant Classification Sherloc (09022015). Collection method: clinical testing. Allele origin: germline.
Comment: This sequence change replaces glycine, which is neutral and non-polar, with alanine, which is neutral and non-polar, at codon 151 of the L1CAM protein (p.Gly151Ala). This variant is not present in population databases (gnomAD no frequency). This variant has not been reported in the literature in individuals affected with L1CAM-related conditions. ClinVar contains an entry for this variant (Variation ID: 647656). Advanced modeling of protein sequence and biophysical properties (such as structural, functional, and spatial information, amino acid conservation, physicochemical variation, residue mobility, and thermodynamic stability) performed at Invitae indicates that this missense variant is expected to disrupt L1CAM protein function with a positive predictive value of 80%. In summary, the available evidence is currently insufficient to determine the role of this variant in disease. Therefore, it has been classified as a Variant of Uncertain Significance.